The following is an entry in ClinVar:

ClinVar aggregate classification (germline): Benign/Likely benign. Review status: criteria provided, multiple submitters, no conflicts (2 of 4 stars). 4 submissions from 4 submitters: Benign (3); Likely benign (1). Last evaluated 2026-01-31.

Conditions:
Familial visceral amyloidosis, Ostertag type (AMYLD2). Also called: Hereditary Renal Amyloidosis; Ostertag type amyloidosis; Familial visceral amyloidosis; Amyloidosis, hepatic and systemic; AMYLOIDOSIS, HEREDITARY SYSTEMIC 2; AMYLOIDOSIS VIII. Identifiers: Orphanet 85450, MedGen C0268389, MONDO:0007099, OMIM 105200.

Allele frequency attached by ClinVar (database versions not stated): gnomAD 0.00277 and 0.00302; 1000 Genomes Project 0.00280; 1000 Genomes Project 30x 0.00297; TOPMed 0.00331; ESP Exome Variant Server 0.00354.
gnomAD v4.1: 882 of 1,614,182 alleles (0.055%); highest among the groups gnomAD compares: African/African-American, 1%; 2 homozygotes.

Submissions (4):

Labcorp Genetics (formerly Invitae), Labcorp
Classification: Benign. Last evaluated: 2026-01-31. Review status: criteria provided, single submitter. Criteria: Invitae Variant Classification Sherloc (09022015). Collection method: clinical testing. Allele origin: germline.

Blueprint Genetics
Classification: Likely benign. Last evaluated: 2024-10-09. Review status: criteria provided, single submitter. Criteria: ACMG Guidelines, 2015. Collection method: clinical testing. Allele origin: germline.

Illumina Laboratory Services, Illumina
Classification: Benign for Familial visceral amyloidosis, Ostertag type. Last evaluated: 2018-01-13. Review status: criteria provided, single submitter. Criteria: ICSL Variant Classification Criteria 13 December 2019. Collection method: clinical testing. Allele origin: germline.
Comment: This variant was observed in the ICSL laboratory as part of a predisposition screen in an ostensibly healthy population. It had not been previously curated by ICSL or reported in the Human Gene Mutation Database (HGMD: prior to June 1st, 2018), and was therefore a candidate for classification through an automated scoring system. Utilizing variant allele frequency, disease prevalence and penetrance estimates, and inheritance mode, an automated score was calculated to assess if this variant is too frequent to cause the disease. Based on the score and internal cut-off values, a variant classified as benign is not then subjected to further curation. The score for this variant resulted in a classification of benign for this disease.

Breakthrough Genomics
Classification: Benign. Review status: criteria provided, single submitter. Criteria: ACMG Guidelines, 2015. Collection method: not provided. Allele origin: germline. Inheritance: Autosomal dominant inheritance. Affected: yes.

NM_000239.3(LYZ):c.10C>G (p.Leu4Val)

Gene: LYZ (lysozyme; plus strand). Cytogenetic location: 12q15.
Variant type: single nucleotide variant.
Coding change: c.10C>G on transcript NM_000239.3 (MANE Select); coding-DNA position 10, C replaced by G.
Protein change: p.Leu4Val; replaces leucine 4 with valine.
Molecular consequence: missense variant.
Genome position (GRCh38, 1-based): chr12:69,348,418, C>G. VCF-style: chr12-69348418-C-G. GRCh37 (hg19) VCF-style: chr12-69742198-C-G.
Other names: short protein forms L4V.
Identifiers: ClinVar variation 882898 (VCV000882898.13), dbSNP rs58131341, ClinGen allele CA6679688.